The following is an entry in ClinVar:

ClinVar aggregate classification (germline): Likely pathogenic (3 of 4 stars; one submission).

Conditions:
Glanzmann thrombasthenia. Also called: BLEEDING DISORDER, PLATELET-TYPE, 2; THROMBASTHENIA OF GLANZMANN AND NAEGELI; Thrombasthenia; PLATELET GLYCOPROTEIN IIb-IIIa DEFICIENCY; Glanzmann's thrombasthenia. Identifiers: Orphanet 849, MedGen C0040015, MONDO:0100326.

Submission:

ClinGen Platelet Disorders Variant Curation Expert Panel, ClinGen
Classification: Likely pathogenic for Glanzmann thrombasthenia. Last evaluated: 2025-11-06. Review status: reviewed by expert panel. Criteria: ClinGen Platelet ACMG Specifications v2-1. Collection method: curation. Allele origin: germline. Inheritance: Autosomal recessive inheritance.
Comment: NM_000212.3(ITGB3):c.887_901del (p.Asp296_His300del) is an in frame deletion variant predicted to remove 5 amino acid residues (PM4). At least two patients (GT31, GT41 in PMID:19691478) were homozygous for this variant and displayed mucocutaneous bleeding plus impaired aggregation with all agonists except ristocetin, which is highly specific for Glanzmann thrombasthenia (PP4_moderate, PM3). The highest population minor allele frequency in gnomAD v4.1 is 0.00004392 (4/91076 alleles) in the South Asian genetic ancestry group, which is lower than the ClinGen PD VCEP threshold (<0.0001; PM2_Supporting). In summary, this variant meets the criteria to be classified as likely pathogenic for autosomal recessive Glanzmann Thrombasthenia based on the ACMG/AMP criteria applied, as specified by the ClinGen PD VCEP: PM2_Supporting, PM4, PP4_moderate, and PM3. (VCEP specifications version 2.1)

NM_000212.3(ITGB3):c.887_901del (p.Asp296_His300del)

Gene: ITGB3 (integrin subunit beta 3; plus strand). Cytogenetic location: 17q21.32.
Variant type: Deletion.
Coding change: c.887_901del on transcript NM_000212.3 (MANE Select); coding-DNA positions 887 to 901, 15 bases deleted (ACGGGCAGTGTCATG).
Protein change: p.Asp296_His300del.
Molecular consequence: inframe deletion.
Genome position (GRCh38, 1-based): chr17:47,287,179-47,287,193, ACGGGCAGTGTCATG deleted; deleting any 15 consecutive bases within chr17:47,287,176-47,287,193 gives the same sequence; the c. name uses the placement nearest the transcript's 3' end. VCF-style (leftmost placement, unchanged base first): chr17-47287175-AATGACGGGCAGTGTC-A. GRCh37 (hg19) VCF-style: chr17-45364541-AATGACGGGCAGTGTC-A.
Other names: NM_000212.3:c.887_901del.
Identifiers: ClinVar variation 2498368 (VCV002498368.3), dbSNP rs1435104438, ClinGen allele CA626379036.
Genomic context (GRCh38, chr17:47,287,175, plus strand): 5'-ACCACTGATGCCAAGACTCATATAGCATTGGACGGAAGGCTGGCAGGCATTGTCCAGCCT[AATGACGGGCAGTGTC>A]ATGTTGGTAGTGACAATCATTACTCTGCCTCCACTACCATGGTGAGATCTCTGGCACCAC-3'